The following is an entry in ClinVar:

ClinVar aggregate classification (germline): Uncertain significance. Review status: criteria provided, multiple submitters, no conflicts (2 of 4 stars). 2 submissions from 2 submitters: Uncertain significance (2). Last evaluated 2024-10-30.

gnomAD v4.1: 1 of 1,614,264 alleles (0.000062%); highest among the groups gnomAD compares: Non-Finnish European, 0.000085%; no homozygotes.

Submissions (2):

Labcorp Genetics (formerly Invitae), Labcorp
Classification: Uncertain significance. Last evaluated: 2024-10-30. Review status: criteria provided, single submitter. Criteria: Invitae Variant Classification Sherloc (09022015). Collection method: clinical testing. Allele origin: germline.
Comment: This sequence change replaces histidine, which is basic and polar, with leucine, which is neutral and non-polar, at codon 1554 of the MYH3 protein (p.His1554Leu). This variant is present in population databases (no rsID available, gnomAD 0.0009%). This variant has not been reported in the literature in individuals affected with MYH3-related conditions. Invitae Evidence Modeling of protein sequence and biophysical properties (such as structural, functional, and spatial information, amino acid conservation, physicochemical variation, residue mobility, and thermodynamic stability) indicates that this missense variant is not expected to disrupt MYH3 protein function with a negative predictive value of 95%. In summary, the available evidence is currently insufficient to determine the role of this variant in disease. Therefore, it has been classified as a Variant of Uncertain Significance.

Women's Health and Genetics/Laboratory Corporation of America, LabCorp
Classification: Uncertain significance. Last evaluated: 2024-10-08. Review status: criteria provided, single submitter. Criteria: LabCorp Variant Classification Summary - May 2015. Collection method: clinical testing. Allele origin: germline.
Comment: Variant summary: MYH3 c.4661A>T (p.His1554Leu) results in a non-conservative amino acid change located in the Myosin tail (IPR002928) of the encoded protein sequence. Three of five in-silico tools predict a benign effect of the variant on protein function. The variant allele was found at a frequency of 4e-06 in 251178 control chromosomes (gnomAD). The available data on variant occurrences in the general population are insufficient to allow any conclusion about variant significance. To our knowledge, no occurrence of c.4661A>T in individuals affected with MYH3-Related Disorders and no experimental evidence demonstrating its impact on protein function have been reported. No submitters have cited clinical-significance assessments for this variant to ClinVar. Based on the evidence outlined above, the variant was classified as uncertain significance.

NM_002470.4(MYH3):c.4661A>T (p.His1554Leu)

Gene: MYH3 (myosin heavy chain 3; minus strand). Cytogenetic location: 17p13.1.
Variant type: single nucleotide variant.
Coding change: c.4661A>T on transcript NM_002470.4 (MANE Select); coding-DNA position 4661, A replaced by T.
Protein change: p.His1554Leu; replaces histidine 1554 with leucine.
Molecular consequence: missense variant.
Genome position (GRCh38, 1-based): chr17:10,632,771, T>A on the plus strand (A>T on the coding strand, the complement: MYH3 is on the minus strand). VCF-style: chr17-10632771-T-A. GRCh37 (hg19) VCF-style: chr17-10536088-T-A.
Other names: short protein forms H1554L.
Identifiers: ClinVar variation 3384831 (VCV003384831.3).